The following is an entry in ClinVar:

ClinVar aggregate classification (germline): Uncertain significance. Review status: criteria provided, multiple submitters, no conflicts (2 of 4 stars). 2 submissions from 2 submitters: Uncertain significance (2). Last evaluated 2023-12-11.

Conditions:
DOCK2 deficiency. Also called: Immunodeficiency 40. Identifiers: Orphanet 447737, MedGen C4225328, MONDO:0014637, OMIM 616433.

Allele frequency attached by ClinVar (database versions not stated): TOPMed 0.00002; gnomAD 0.00003; ESP Exome Variant Server 0.00008; 1000 Genomes Project 30x 0.00016; 1000 Genomes Project 0.00020.
gnomAD v4.1: 24 of 1,614,150 alleles (0.0015%); highest among the groups gnomAD compares: Middle Eastern, 0.016%; no homozygotes.

Submissions (2):

Labcorp Genetics (formerly Invitae), Labcorp
Classification: Uncertain significance for DOCK2 deficiency. Last evaluated: 2023-12-11. Review status: criteria provided, single submitter. Criteria: Invitae Variant Classification Sherloc (09022015). Collection method: clinical testing. Allele origin: germline.
Comment: This sequence change replaces isoleucine, which is neutral and non-polar, with leucine, which is neutral and non-polar, at codon 50 of the DOCK2 protein (p.Ile50Leu). This variant is present in population databases (rs200852440, gnomAD 0.002%). This variant has not been reported in the literature in individuals affected with DOCK2-related conditions. ClinVar contains an entry for this variant (Variation ID: 476001). Algorithms developed to predict the effect of missense changes on protein structure and function output the following: SIFT: "Not Available"; PolyPhen-2: "Benign"; Align-GVGD: "Not Available". The leucine amino acid residue is found in multiple mammalian species, which suggests that this missense change does not adversely affect protein function. In summary, the available evidence is currently insufficient to determine the role of this variant in disease. Therefore, it has been classified as a Variant of Uncertain Significance.

Blueprint Genetics
Classification: Uncertain significance. Last evaluated: 2023-10-11. Review status: criteria provided, single submitter. Criteria: ACMG Guidelines, 2015. Collection method: clinical testing. Allele origin: germline.

NM_004946.3(DOCK2):c.148A>C (p.Ile50Leu)

Gene: DOCK2 (dedicator of cytokinesis 2; plus strand). Cytogenetic location: 5q35.1.
Variant type: single nucleotide variant.
Coding change: c.148A>C on transcript NM_004946.3 (MANE Select); coding-DNA position 148, A replaced by C.
Protein change: p.Ile50Leu; replaces isoleucine 50 with leucine.
Molecular consequence: missense variant. On other transcripts: non-coding transcript variant (1).
Genome position (GRCh38, 1-based): chr5:169,669,308, A>C. VCF-style: chr5-169669308-A-C. GRCh37 (hg19) VCF-style: chr5-169096312-A-C.
Other names: c.148A>C, p.Ile50Leu (LRG_1227t1); short protein forms I50L.
Identifiers: ClinVar variation 476001 (VCV000476001.8), dbSNP rs200852440, ClinGen allele CA3553068.